The following is an entry in ClinVar:

ClinVar aggregate classification (germline): Uncertain significance (1 of 4 stars; one submission).

Submission:

Ambry Genetics
Classification: Uncertain significance. Last evaluated: 2026-02-19. Review status: criteria provided, single submitter. Criteria: Ambry Variant Classification Scheme 2023. Collection method: clinical testing. Allele origin: germline.
Comment: The p.I137V variant (also known as c.409A>G), located in coding exon 4 of the RECQL gene, results from an A to G substitution at nucleotide position 409. The isoleucine at codon 137 is replaced by valine, an amino acid with highly similar properties. This amino acid position is conserved. In addition, this alteration is predicted to be tolerated by in silico analysis. Based on the available evidence, the clinical significance of this variant remains unclear.

NM_002907.4(RECQL):c.409A>G (p.Ile137Val)

Gene: RECQL (RecQ like helicase; minus strand). Cytogenetic location: 12p12.1.
Variant type: single nucleotide variant.
Coding change: c.409A>G on transcript NM_002907.4 (MANE Select); coding-DNA position 409, A replaced by G.
Protein change: p.Ile137Val; replaces isoleucine 137 with valine.
Molecular consequence: missense variant.
Genome position (GRCh38, 1-based): chr12:21,486,571, T>C on the plus strand (A>G on the coding strand, the complement: RECQL is on the minus strand). VCF-style: chr12-21486571-T-C. GRCh37 (hg19) VCF-style: chr12-21639505-T-C.
Other names: c.409A>G, p.Ile137Val (NM_032941.3); short protein forms I137V.
Identifiers: ClinVar variation 4824333 (VCV004824333.1).